The following is an entry in ClinVar:

ClinVar aggregate classification (germline): Uncertain significance. Review status: criteria provided, multiple submitters, no conflicts (2 of 4 stars). 3 submissions from 3 submitters: Uncertain significance (3). Last evaluated 2024-03-07.

Conditions:
Severe combined immunodeficiency due to DCLRE1C deficiency (RS-SCID). Also called: SCID, AUTOSOMAL RECESSIVE, T CELL-NEGATIVE, B CELL-NEGATIVE, NK CELL-POSITIVE, WITH SENSITIVITY TO IONIZING RADIATION. Identifiers: Orphanet 275, MedGen C1865371, MONDO:0011225, OMIM 602450.

gnomAD v4.1: 48 of 1,614,062 alleles (0.003%); highest among the groups gnomAD compares: Non-Finnish European, 0.004%; no homozygotes.

Submissions (3):

Labcorp Genetics (formerly Invitae), Labcorp
Classification: Uncertain significance for Athabaskan severe combined immunodeficiency. Last evaluated: 2024-03-07. Review status: criteria provided, single submitter. Criteria: Invitae Variant Classification Sherloc (09022015). Collection method: clinical testing. Allele origin: germline.
Comment: This sequence change replaces aspartic acid, which is acidic and polar, with tyrosine, which is neutral and polar, at codon 609 of the DCLRE1C protein (p.Asp609Tyr). This variant is present in population databases (rs745996545, gnomAD 0.007%). This variant has not been reported in the literature in individuals affected with DCLRE1C-related conditions. An algorithm developed to predict the effect of missense changes on protein structure and function (PolyPhen-2) suggests that this variant¬†is likely to be tolerated. In summary, the available evidence is currently insufficient to determine the role of this variant in disease. Therefore, it has been classified as a Variant of Uncertain Significance.

Department of Pathology and Laboratory Medicine, Sinai Health System
Classification: Uncertain significance for severe combined immunodeficiency due to DCLRE1C deficiency. Last evaluated: 2020-06-24. Review status: criteria provided, single submitter. Criteria: ACMG Guidelines, 2015. Collection method: research. Allele origin: germline.

Blueprint Genetics
Classification: Uncertain significance. Last evaluated: 2017-10-25. Review status: criteria provided, single submitter. Criteria: ACMG Guidelines, 2015. Collection method: clinical testing. Allele origin: germline.

NM_001033855.3(DCLRE1C):c.1825G>T (p.Asp609Tyr)

Gene: DCLRE1C (DNA cross-link repair 1C; minus strand). Cytogenetic location: 10p13.
Variant type: single nucleotide variant.
Coding change: c.1825G>T on transcript NM_001033855.3 (MANE Select); coding-DNA position 1825, G replaced by T.
Protein change: p.Asp609Tyr; replaces aspartic acid 609 with tyrosine.
Molecular consequence: missense variant. On other transcripts: non-coding transcript variant (3), intron variant (3).
Genome position (GRCh38, 1-based): chr10:14,908,662, C>A on the plus strand (G>T on the coding strand, the complement: DCLRE1C is on the minus strand). VCF-style: chr10-14908662-C-A. GRCh37 (hg19) VCF-style: chr10-14950661-C-A.
Other names: c.1465G>T, p.Asp489Tyr (NM_001033857.3, NM_001033858.3, NM_001289077.2 and 1 more transcripts); c.1480G>T, p.Asp494Tyr (NM_001289076.2, NM_001289078.2, NM_022487.4); c.1437+43G>T (NM_001350966.2); c.1782+43G>T (NM_001350965.2); c.1422+43G>T (NM_001350967.2); short protein forms D609Y, D489Y, D494Y.
Identifiers: ClinVar variation 3709738 (VCV003709738.3).